The following is an entry in ClinVar:

ClinVar aggregate classification (germline): Uncertain significance (1 of 4 stars; one submission).

Conditions:
Combined immunodeficiency due to MALT1 deficiency. Also called: Immunodeficiency 12. Identifiers: Orphanet 397964, MedGen C3809583, MONDO:0014197, OMIM 615468.

Allele frequency attached by ClinVar (database versions not stated): ESP Exome Variant Server 0.00015; gnomAD 0.00001; TOPMed 0.00001.
gnomAD v4.1: 3 of 1,613,824 alleles (0.00019%); highest among the groups gnomAD compares: African/African-American, 0.004%; no homozygotes.

Submission:

Labcorp Genetics (formerly Invitae), Labcorp
Classification: Uncertain significance for Combined immunodeficiency due to MALT1 deficiency. Last evaluated: 2022-07-26. Review status: criteria provided, single submitter. Criteria: Invitae Variant Classification Sherloc (09022015). Collection method: clinical testing. Allele origin: germline.
Comment: In summary, the available evidence is currently insufficient to determine the role of this variant in disease. Therefore, it has been classified as a Variant of Uncertain Significance. Algorithms developed to predict the effect of missense changes on protein structure and function are either unavailable or do not agree on the potential impact of this missense change (SIFT: "Tolerated"; PolyPhen-2: "Possibly Damaging"; Align-GVGD: "Class C0"). ClinVar contains an entry for this variant (Variation ID: 947326). This variant has not been reported in the literature in individuals affected with MALT1-related conditions. This variant is present in population databases (rs374978445, gnomAD 0.02%). This sequence change replaces glutamic acid, which is acidic and polar, with glutamine, which is neutral and polar, at codon 704 of the MALT1 protein (p.Glu704Gln).

NM_006785.4(MALT1):c.2110G>C (p.Glu704Gln)

Gene: MALT1 (MALT1 paracaspase; plus strand). Cytogenetic location: 18q21.32.
Variant type: single nucleotide variant.
Coding change: c.2110G>C on transcript NM_006785.4 (MANE Select); coding-DNA position 2110, G replaced by C.
Protein change: p.Glu704Gln; replaces glutamic acid 704 with glutamine.
Molecular consequence: missense variant.
Genome position (GRCh38, 1-based): chr18:58,747,477, G>C. VCF-style: chr18-58747477-G-C. GRCh37 (hg19) VCF-style: chr18-56414709-G-C.
Other names: c.2077G>C, p.Glu693Gln (NM_173844.3); short protein forms E693Q, E704Q.
Identifiers: ClinVar variation 947326 (VCV000947326.8), dbSNP rs374978445, ClinGen allele CA8978064.